The following is an entry in ClinVar:

ClinVar aggregate classification (germline): Conflicting classifications of pathogenicity. Review status: criteria provided, conflicting classifications (1 of 4 stars). 3 submissions from 3 submitters: Uncertain significance (2); Likely benign (1). Last evaluated 2025-05-06.

Conditions:
Combined immunodeficiency due to CD3gamma deficiency. Also called: Immunodeficiency 17; Immunodeficiency 17, CD3 gamma deficient; CD3-GAMMA DEFICIENCY; SCID-LIKE IMMUNODEFICIENCY, T CELL-PARTIAL, B CELL-POSITIVE, NK CELL-POSITIVE. Identifiers: Orphanet 169082, MedGen C3810107, MONDO:0014276, OMIM 615607.

Allele frequency attached by ClinVar (database versions not stated): gnomAD exomes 0.00006 and 0.00021; ExAC 0.00039; gnomAD 0.00063; TOPMed 0.00074; 1000 Genomes Project 30x 0.00078; 1000 Genomes Project 0.00080; ESP Exome Variant Server 0.00085.
gnomAD v4.1: 200 of 1,571,206 alleles (0.013%); highest among the groups gnomAD compares: African/African-American, 0.17%; 2 homozygotes.

Submissions (3):

Mayo Clinic Laboratories, Mayo Clinic
Classification: Likely benign. Last evaluated: 2025-05-06. Review status: criteria provided, single submitter. Criteria: ACMG Guidelines, 2015. Collection method: clinical testing. Allele origin: germline. Observed: 2 variant alleles.
Comment: BS1, BP4

Blueprint Genetics
Classification: Uncertain significance. Last evaluated: 2024-10-14. Review status: criteria provided, single submitter. Criteria: ACMG Guidelines, 2015. Collection method: clinical testing. Allele origin: germline.

Labcorp Genetics (formerly Invitae), Labcorp
Classification: Uncertain significance for Combined immunodeficiency due to CD3gamma deficiency. Last evaluated: 2022-10-13. Review status: criteria provided, single submitter. Criteria: Invitae Variant Classification Sherloc (09022015). Collection method: clinical testing. Allele origin: germline.
Comment: This sequence change replaces isoleucine, which is neutral and non-polar, with methionine, which is neutral and non-polar, at codon 11 of the CD3G protein (p.Ile11Met). This variant is present in population databases (rs143990986, gnomAD 0.2%). This variant has not been reported in the literature in individuals affected with CD3G-related conditions. ClinVar contains an entry for this variant (Variation ID: 580921). Algorithms developed to predict the effect of missense changes on protein structure and function are either unavailable or do not agree on the potential impact of this missense change (SIFT: "Tolerated"; PolyPhen-2: "Possibly Damaging"; Align-GVGD: "Class C0"). In summary, the available evidence is currently insufficient to determine the role of this variant in disease. Therefore, it has been classified as a Variant of Uncertain Significance.

NM_000073.3(CD3G):c.33C>G (p.Ile11Met)

Gene: CD3G (CD3 gamma subunit of T-cell receptor complex; plus strand). Cytogenetic location: 11q23.3.
Variant type: single nucleotide variant.
Coding change: c.33C>G on transcript NM_000073.3 (MANE Select); coding-DNA position 33, C replaced by G.
Protein change: p.Ile11Met; replaces isoleucine 11 with methionine.
Molecular consequence: missense variant.
Genome position (GRCh38, 1-based): chr11:118,344,456, C>G. VCF-style: chr11-118344456-C-G. GRCh37 (hg19) VCF-style: chr11-118215171-C-G.
Other names: p.Ile11Met; short protein forms I11M.
Identifiers: ClinVar variation 580921 (VCV000580921.9), dbSNP rs143990986, ClinGen allele CA6302055.